The following is an entry in ClinVar:

NM_000038.6(APC):c.8333C>G (p.Ala2778Gly)

Gene: APC (APC regulator of Wnt signaling pathway; plus strand). Cytogenetic location: 5q22.2.
Variant type: single nucleotide variant.
Coding change: c.8333C>G on transcript NM_000038.6 (MANE Select); coding-DNA position 8333, C replaced by G.
Protein change: p.Ala2778Gly; replaces alanine 2778 with glycine.
Molecular consequence: missense variant.
Genome position (GRCh38, 1-based): chr5:112,843,927, C>G. VCF-style: chr5-112843927-C-G. GRCh37 (hg19) VCF-style: chr5-112179624-C-G.
Other names: c.8333C>G, p.Ala2778Gly (NM_001127510.3, NM_001354895.2); c.8279C>G, p.Ala2760Gly (NM_001127511.3); c.8387C>G, p.Ala2796Gly (NM_001354896.2); c.8363C>G, p.Ala2788Gly (NM_001354897.2); c.8258C>G, p.Ala2753Gly (NM_001354898.2); c.8249C>G, p.Ala2750Gly (NM_001354899.2); c.8210C>G, p.Ala2737Gly (NM_001354900.2); c.8156C>G, p.Ala2719Gly (NM_001354901.2); and 5 more; short protein forms A2760G, A2778G, A2652G, A2737G, A2618G, A2750G, A2677G, A2687G.
Identifiers: ClinVar variation 489504 (VCV000489504.11), dbSNP rs1554089067, ClinGen allele CA16039413.

ClinVar aggregate classification (germline): Uncertain significance. Review status: criteria provided, multiple submitters, no conflicts (2 of 4 stars). 3 submissions from 3 submitters: Uncertain significance (3). Last evaluated 2024-08-05.

Conditions:
Familial adenomatous polyposis 1 (FAP1). Also called: POLYPOSIS, ADENOMATOUS INTESTINAL; FAMILIAL ADENOMATOUS POLYPOSIS 1, ATTENUATED. Identifiers: MedGen C2713442, MONDO:0021056, OMIM 175100. Disease mechanism: loss of function.
Hereditary cancer-predisposing syndrome. Also called: Hereditary Cancer Syndrome; Neoplastic Syndromes, Hereditary; Tumor predisposition; Hereditary neoplastic syndrome. Identifiers: Orphanet 140162, MedGen C0027672, MeSH D009386, MONDO:0015356.

Allele frequency attached by ClinVar (database versions not stated): gnomAD exomes below 0.00001.
gnomAD v4.1: 1 of 1,611,886 alleles (0.000062%); highest among the groups gnomAD compares: African/African-American, 0.0013%; no homozygotes.

Submissions (3):

Labcorp Genetics (formerly Invitae), Labcorp
Classification: Uncertain significance for Familial adenomatous polyposis 1. Last evaluated: 2024-08-05. Review status: criteria provided, single submitter. Criteria: Invitae Variant Classification Sherloc (09022015). Collection method: clinical testing. Allele origin: germline.
Comment: This sequence change replaces alanine, which is neutral and non-polar, with glycine, which is neutral and non-polar, at codon 2778 of the APC protein (p.Ala2778Gly). This variant is not present in population databases (gnomAD no frequency). This variant has not been reported in the literature in individuals affected with APC-related conditions. ClinVar contains an entry for this variant (Variation ID: 489504). Advanced modeling of protein sequence and biophysical properties (such as structural, functional, and spatial information, amino acid conservation, physicochemical variation, residue mobility, and thermodynamic stability) performed at Invitae indicates that this missense variant is not expected to disrupt APC protein function with a negative predictive value of 95%. In summary, the available evidence is currently insufficient to determine the role of this variant in disease. Therefore, it has been classified as a Variant of Uncertain Significance.

Color Diagnostics, LLC DBA Color Health
Classification: Uncertain significance for Hereditary cancer-predisposing syndrome. Last evaluated: 2023-12-05. Review status: criteria provided, single submitter. Criteria: ACMG Guidelines, 2015. Collection method: clinical testing. Allele origin: germline.
Comment: This missense variant replaces alanine with glycine at codon 2778 of the APC protein. Computational prediction is inconclusive regarding the impact of this variant on protein structure and function (internally defined REVEL score threshold 0.5 < inconclusive < 0.7, PMID: 27666373). To our knowledge, functional studies have not been reported for this variant. This variant has not been reported in individuals affected with APC-related disorders in the literature. This variant has not been identified in the general population by the Genome Aggregation Database (gnomAD). The available evidence is insufficient to determine the role of this variant in disease conclusively. Therefore, this variant is classified as a Variant of Uncertain Significance.

Ambry Genetics
Classification: Uncertain significance for Hereditary cancer-predisposing syndrome. Last evaluated: 2023-02-03. Review status: criteria provided, single submitter. Criteria: Ambry Variant Classification Scheme 2023. Collection method: clinical testing. Allele origin: germline.
Comment: The p.A2778G variant (also known as c.8333C>G), located in coding exon 15 of the APC gene, results from a C to G substitution at nucleotide position 8333. The alanine at codon 2778 is replaced by glycine, an amino acid with similar properties. This amino acid position is highly conserved in available vertebrate species. In addition, in silico predictors for this gene do not accurately predict pathogenicity. Since supporting evidence is limited at this time, the clinical significance of this alteration remains unclear.